The following is an entry in ClinVar:

ClinVar aggregate classification (germline): Uncertain significance (1 of 4 stars; one submission).

gnomAD v4.1: 55 of 1,607,860 alleles (0.0034%); highest among the groups gnomAD compares: Non-Finnish European, 0.0043%; no homozygotes.

Submission:

Labcorp Genetics (formerly Invitae), Labcorp
Classification: Uncertain significance. Last evaluated: 2025-09-29. Review status: criteria provided, single submitter. Criteria: Invitae Variant Classification Sherloc (09022015). Collection method: clinical testing. Allele origin: germline.
Comment: This sequence change replaces valine, which is neutral and non-polar, with alanine, which is neutral and non-polar, at codon 877 of the ITGAM protein (p.Val877Ala). This variant is present in population databases (rs770734126, gnomAD 0.003%). This variant has not been reported in the literature in individuals affected with ITGAM-related conditions. ClinVar contains an entry for this variant (Variation ID: 3717314). An algorithm developed to predict the effect of missense changes on protein structure and function outputs the following: PolyPhen-2: "Benign". The alanine amino acid residue is found in multiple mammalian species, which suggests that this missense change does not adversely affect protein function. Algorithms developed to predict the effect of sequence changes on RNA splicing suggest that this variant may disrupt the consensus splice site. In summary, the available evidence is currently insufficient to determine the role of this variant in disease. Therefore, it has been classified as a Variant of Uncertain Significance.

NM_000632.4(ITGAM):c.2630T>C (p.Val877Ala)

Gene: ITGAM (integrin subunit alpha M; plus strand). Cytogenetic location: 16p11.2.
Variant type: single nucleotide variant.
Coding change: c.2630T>C on transcript NM_000632.4 (MANE Select); coding-DNA position 2630, T replaced by C.
Protein change: p.Val877Ala; replaces valine 877 with alanine.
Molecular consequence: missense variant.
Genome position (GRCh38, 1-based): chr16:31,326,857, T>C. VCF-style: chr16-31326857-T-C. GRCh37 (hg19) VCF-style: chr16-31338178-T-C.
Other names: c.2633T>C, p.Val878Ala (NM_001145808.2); short protein forms V877A, V878A.
Identifiers: ClinVar variation 3717314 (VCV003717314.2).